The following is an entry in ClinVar:

ClinVar aggregate classification (germline): Uncertain significance (1 of 4 stars; one submission).

Allele frequency attached by ClinVar (database versions not stated): gnomAD exomes below 0.00001.
gnomAD v4.1: 1 of 1,210,098 alleles (0.000083%); highest among the groups gnomAD compares: Non-Finnish European, 0.00011%; no homozygotes.

Submission:

Labcorp Genetics (formerly Invitae), Labcorp
Classification: Uncertain significance. Last evaluated: 2022-05-25. Review status: criteria provided, single submitter. Criteria: Invitae Variant Classification Sherloc (09022015). Collection method: clinical testing. Allele origin: germline.
Comment: This sequence change replaces proline, which is neutral and non-polar, with leucine, which is neutral and non-polar, at codon 604 of the COL4A5 protein (p.Pro604Leu). This variant is not present in population databases (gnomAD no frequency). This variant has not been reported in the literature in individuals affected with COL4A5-related conditions. Advanced modeling of protein sequence and biophysical properties (such as structural, functional, and spatial information, amino acid conservation, physicochemical variation, residue mobility, and thermodynamic stability) performed at Invitae indicates that this missense variant is not expected to disrupt COL4A5 protein function. In summary, the available evidence is currently insufficient to determine the role of this variant in disease. Therefore, it has been classified as a Variant of Uncertain Significance.

NM_033380.3(COL4A5):c.1811C>T (p.Pro604Leu)

Gene: COL4A5 (collagen type IV alpha 5 chain; plus strand). Cytogenetic location: Xq22.3.
Variant type: single nucleotide variant.
Coding change: c.1811C>T on transcript NM_033380.3 (MANE Select); coding-DNA position 1811, C replaced by T.
Protein change: p.Pro604Leu; replaces proline 604 with leucine.
Molecular consequence: missense variant.
Genome position (GRCh38, 1-based): chrX:108,598,733, C>T. VCF-style: chrX-108598733-C-T. GRCh37 (hg19) VCF-style: chrX-107841963-C-T.
Other names: c.1811C>T, p.Pro604Leu (NM_000495.5); short protein forms P604L.
Identifiers: ClinVar variation 1998570 (VCV001998570.1), dbSNP rs2524314034, ClinGen allele CA413845667.